The following is an entry in ClinVar:

NM_013275.6(ANKRD11):c.2130G>A (p.Trp710Ter)

Gene: ANKRD11 (ankyrin repeat domain 11; minus strand). Cytogenetic location: 16q24.3.
Variant type: single nucleotide variant.
Coding change: c.2130G>A on transcript NM_013275.6 (MANE Select); coding-DNA position 2130, G replaced by A.
Protein change: p.Trp710Ter; replaces tryptophan 710 with a stop codon.
Molecular consequence: nonsense.
Genome position (GRCh38, 1-based): chr16:89,284,412, C>T on the plus strand (G>A on the coding strand, the complement: ANKRD11 is on the minus strand). VCF-style: chr16-89284412-C-T. GRCh37 (hg19) VCF-style: chr16-89350820-C-T.
Other names: c.2130G>A, p.Trp710Ter (NM_001256182.2, NM_001256183.2); short protein forms W710*.
Identifiers: ClinVar variation 521867 (VCV000521867.6), dbSNP rs1555529297, ClinGen allele CA397163121.
Genomic context (GRCh38, chr16:89,284,412, plus strand): 5'-CCTGCTGATGTCTTTGTTTGTGTCTTTGATTCTCTTCAGTGATTTTTCATCTTTAAAGAG[C>T]CATTCTTTTTCTTCTAATTTCATTTTGCTAAGTTTCTCTTCTTTTTTAAAGTGGTCGCGA-3'

ClinVar aggregate classification (germline): Pathogenic/Likely pathogenic. Review status: criteria provided, multiple submitters, no conflicts (2 of 4 stars). 2 submissions from 2 submitters: Pathogenic (1); Likely pathogenic (1). Last evaluated 2026-02-21.

Conditions:
KBG syndrome (KBGS). Also called: ANKRD11-Related KBG Syndrome. Identifiers: Orphanet 2332, MedGen C0220687, MONDO:0007846, OMIM 148050.
Inborn genetic diseases. Identifiers: MedGen C0950123, MeSH D030342.

Submissions (2):

Dasa
Classification: Likely pathogenic for KBG syndrome. Last evaluated: 2026-02-21. Review status: criteria provided, single submitter. Criteria: DASA Assertion Criteria. Collection method: clinical testing. Allele origin: germline.
Comment: NM_013275.6(ANKRD11):c.2130G>A (p.Trp710*) is a nonsense variant in ANKRD11 predicted to introduce a premature termination codon and is predicted to result in an absent or altered protein product. Loss of function is an established disease mechanism for ANKRD11 (PMID: 21782149; PMID: 35330407; PMID: 28422132). Also, this variant is rare in population databases. Based on the currently available evidence, this variant is classified as likely pathogenic.

Ambry Genetics
Classification: Pathogenic for Inborn genetic diseases. Last evaluated: 2017-09-07. Review status: criteria provided, single submitter. Criteria: Ambry exome assertion method (8-5-2015). Collection method: clinical testing. Allele origin: germline. Affected: yes. Observed: 2 variant alleles.

Literature cited by the submitters: PubMed 21782149 (cited by Dasa); PubMed 35330407 (cited by Dasa); PubMed 28422132 (cited by Dasa).